The following is an entry in ClinVar:

GRCh37/hg19 Xp21.1(chrX:32498836-32578660)x2

Gene: DMD (dystrophin; minus strand). Cytogenetic location: Xp21.1.
Variant type: copy number gain.
Change: copy number 2 of chrX:32,498,836-32,578,660 (79.8 kb, GRCh37 coordinates, 1-based), cytogenetic band Xp21.1.
Identifiers: ClinVar variation 4277354 (VCV004277354.1).

ClinVar aggregate classification (germline): Pathogenic (1 of 4 stars; one submission).

Conditions:
Becker muscular dystrophy (BMD). Also called: MUSCULAR DYSTROPHY, PSEUDOHYPERTROPHIC PROGRESSIVE, BECKER TYPE; Becker Muscular Dystrophy (BMD). Identifiers: Orphanet 98895, MedGen C0917713, MONDO:0010311, OMIM 300376.
Duchenne muscular dystrophy (DMD). Also called: MUSCULAR DYSTROPHY, PSEUDOHYPERTROPHIC PROGRESSIVE, DUCHENNE TYPE; Duchenne Muscular Dystrophy (DMD). Identifiers: Orphanet 98896, MedGen C0013264, MONDO:0010679, OMIM 310200.

Submission:

Hunan Provincial Maternal and Child Health Care Hospital
Classification: Pathogenic for Duchenne muscular dystrophy; Becker muscular dystrophy. Last evaluated: 2024-07-01. Review status: criteria provided, single submitter. Criteria: ACMG/ClinGen CNV Guidelines, 2019. Collection method: clinical testing. Allele origin: maternal. Inheritance: X-linked recessive inheritance.
Comment: This is a copy-number gain at Xp21.1 (GRCh37: g.32498836_32578660dup) involving exons 17–21 of the DMD gene (OMIM: 300377; NM_000109). Intragenic duplications disrupting DMD are a known cause of Duchenne/Becker muscular dystrophy. Based on ACMG/ClinGen CNV criteria and segregation evidence, this variant is classified as Pathogenic.